The following is an entry in ClinVar:

NM_006231.4(POLE):c.1718G>A (p.Arg573Gln)

Gene: POLE (DNA polymerase epsilon, catalytic subunit; minus strand). Cytogenetic location: 12q24.33.
Variant type: single nucleotide variant.
Coding change: c.1718G>A on transcript NM_006231.4 (MANE Select); coding-DNA position 1718, G replaced by A.
Protein change: p.Arg573Gln; replaces arginine 573 with glutamine.
Molecular consequence: missense variant.
Genome position (GRCh38, 1-based): chr12:132,672,291, C>T on the plus strand (G>A on the coding strand, the complement: POLE is on the minus strand). VCF-style: chr12-132672291-C-T. GRCh37 (hg19) VCF-style: chr12-133248877-C-T.
Other names: short protein forms R573Q.
Identifiers: ClinVar variation 655029 (VCV000655029.35), dbSNP rs1054837169, ClinGen allele CA246292952.

ClinVar aggregate classification (germline): Uncertain significance. Review status: criteria provided, multiple submitters, no conflicts (2 of 4 stars). 3 submissions from 3 submitters: Uncertain significance (3). Last evaluated 2026-01-12.

Conditions:
Hereditary cancer-predisposing syndrome. Also called: Neoplastic Syndromes, Hereditary; Hereditary Cancer Syndrome; Tumor predisposition; Hereditary neoplastic syndrome. Identifiers: Orphanet 140162, MedGen C0027672, MeSH D009386, MONDO:0015356.

Allele frequency attached by ClinVar (database versions not stated): gnomAD exomes below 0.00001; TOPMed 0.00002.
gnomAD v4.1: 3 of 1,614,158 alleles (0.00019%); highest among the groups gnomAD compares: Middle Eastern, 0.017%; no homozygotes.

Submissions (3):

Labcorp Genetics (formerly Invitae), Labcorp
Classification: Uncertain significance. Last evaluated: 2026-01-12. Review status: criteria provided, single submitter. Criteria: Invitae Variant Classification Sherloc (09022015). Collection method: clinical testing. Allele origin: germline.
Comment: This sequence change replaces arginine, which is basic and polar, with glutamine, which is neutral and polar, at codon 573 of the POLE protein (p.Arg573Gln). This variant is not present in population databases (gnomAD no frequency). This variant has not been reported in the literature in individuals affected with POLE-related conditions. ClinVar contains an entry for this variant (Variation ID: 655029). Invitae Evidence Modeling of protein sequence and biophysical properties (such as structural, functional, and spatial information, amino acid conservation, physicochemical variation, residue mobility, and thermodynamic stability) indicates that this missense variant is not expected to disrupt POLE protein function with a negative predictive value of 80%. In summary, the available evidence is currently insufficient to determine the role of this variant in disease. Therefore, it has been classified as a Variant of Uncertain Significance.

Ambry Genetics
Classification: Uncertain significance for Hereditary cancer-predisposing syndrome. Last evaluated: 2024-03-24. Review status: criteria provided, single submitter. Criteria: Ambry Variant Classification Scheme 2023. Collection method: clinical testing. Allele origin: germline.
Comment: The p.R573Q variant (also known as c.1718G>A), located in coding exon 16 of the POLE gene, results from a G to A substitution at nucleotide position 1718. The arginine at codon 573 is replaced by glutamine, an amino acid with highly similar properties. This amino acid position is conserved. In addition, this alteration is predicted to be tolerated by in silico analysis. Since supporting evidence is limited at this time, the clinical significance of this alteration remains unclear.

CeGaT Center for Human Genetics Tuebingen
Classification: Uncertain significance. Last evaluated: 2022-06-01. Review status: criteria provided, single submitter. Criteria: CeGaT Center For Human Genetics Tuebingen Variant Classification Criteria Version 2. Collection method: clinical testing. Allele origin: germline. Affected: yes. Observed: 1 variant allele.
Comment: POLE: PM2, BP4